The following is an entry in ClinVar:

ClinVar aggregate classification (germline): Uncertain significance (1 of 4 stars; one submission).

gnomAD v4.1: 1 of 1,614,168 alleles (0.000062%); highest among the groups gnomAD compares: Non-Finnish European, 0.000085%; no homozygotes.

Submission:

Labcorp Genetics (formerly Invitae), Labcorp
Classification: Uncertain significance. Last evaluated: 2023-01-18. Review status: criteria provided, single submitter. Criteria: Invitae Variant Classification Sherloc (09022015). Collection method: clinical testing. Allele origin: germline.
Comment: In summary, the available evidence is currently insufficient to determine the role of this variant in disease. Therefore, it has been classified as a Variant of Uncertain Significance. Advanced modeling of protein sequence and biophysical properties (such as structural, functional, and spatial information, amino acid conservation, physicochemical variation, residue mobility, and thermodynamic stability) performed at Invitae indicates that this missense variant is expected to disrupt KANK1 protein function. This variant has not been reported in the literature in individuals affected with KANK1-related conditions. This variant is present in population databases (no rsID available, gnomAD 0.0009%). This sequence change replaces alanine, which is neutral and non-polar, with threonine, which is neutral and polar, at codon 495 of the KANK1 protein (p.Ala495Thr).

NM_015158.5(KANK1):c.1483G>A (p.Ala495Thr)

Gene: KANK1 (KN motif and ankyrin repeat domains 1; plus strand). Cytogenetic location: 9p24.3.
Variant type: single nucleotide variant.
Coding change: c.1483G>A on transcript NM_015158.5 (MANE Select); coding-DNA position 1483, G replaced by A.
Protein change: p.Ala495Thr; replaces alanine 495 with threonine.
Molecular consequence: missense variant. On other transcripts: non-coding transcript variant (1).
Genome position (GRCh38, 1-based): chr9:712,249, G>A. VCF-style: chr9-712249-G-A. GRCh37 (hg19) VCF-style: chr9-712249-G-A.
Other names: c.1483G>A, p.Ala495Thr (NM_001256876.3, NM_001256877.3, NM_001354331.2 and 2 more transcripts); c.1009G>A, p.Ala337Thr (NM_001354333.2, NM_001354335.2, NM_001354336.2 and 9 more transcripts); short protein forms A337T, A495T.
Identifiers: ClinVar variation 2959748 (VCV002959748.3), dbSNP rs1444350424, ClinGen allele CA372748317.